The following is an entry in ClinVar:

NM_000384.3(APOB):c.11672C>G (p.Ser3891Cys)

Gene: APOB (apolipoprotein B; minus strand). Cytogenetic location: 2p24.1.
Variant type: single nucleotide variant.
Coding change: c.11672C>G on transcript NM_000384.3 (MANE Select); coding-DNA position 11672, C replaced by G.
Protein change: p.Ser3891Cys; replaces serine 3891 with cysteine.
Molecular consequence: missense variant.
Genome position (GRCh38, 1-based): chr2:21,005,196, G>C on the plus strand (C>G on the coding strand, the complement: APOB is on the minus strand). VCF-style: chr2-21005196-G-C. GRCh37 (hg19) VCF-style: chr2-21228068-G-C.
Other names: short protein forms S3891C.
Identifiers: ClinVar variation 5009350 (VCV005009350.1).
Genomic context (GRCh38, chr2:21,005,196, plus strand): 5'-GTTTCAACATAATCTGCTTTGTTTTTCAAACTGGCACTCCAAGTGGCATTATACACGGGA[G>C]AGTCTACCTCAAAGCGTGCAGTCAGTGCTTGAAAGGAAGGAATGACAATTCCAGCAGGTA-3'
Protein context (NP_000375.3, residues 3881-3901): QALTARFEVD[Ser3891Cys]PVYNATWSAS

ClinVar aggregate classification (germline): Uncertain significance (1 of 4 stars; one submission).

gnomAD v4.1: 1 of 1,614,060 alleles (0.000062%); highest among the groups gnomAD compares: Non-Finnish European, 0.000085%; no homozygotes.

Submission:

GeneDx
Classification: Uncertain significance. Last evaluated: 2026-03-19. Review status: criteria provided, single submitter. Criteria: GeneDx Variant Classification Process June 2021. Collection method: clinical testing. Allele origin: germline.
Comment: Not observed at significant frequency in large population cohorts (gnomAD); In silico analysis supports that this missense variant has a deleterious effect on protein structure/function; Has not been previously published as pathogenic or benign to our knowledge